The following is an entry in ClinVar:

NM_002474.3(MYH11):c.4355A>T (p.Lys1452Ile)

Genes: MYH11 (myosin heavy chain 11; minus strand), NDE1 (nudE neurodevelopment protein 1; plus strand). Cytogenetic location: 16p13.11.
Variant type: single nucleotide variant.
Coding change: c.4355A>T on transcript NM_002474.3 (MANE Select); coding-DNA position 4355, A replaced by T.
Protein change: p.Lys1452Ile; replaces lysine 1452 with isoleucine.
Molecular consequence: missense variant. On other transcripts: intron variant (2).
Genome position (GRCh38, 1-based): chr16:15,724,171, T>A on the plus strand (A>T on the coding strand, the complement: MYH11 is on the minus strand). VCF-style: chr16-15724171-T-A. GRCh37 (hg19) VCF-style: chr16-15818028-T-A.
Other names: c.4376A>T, p.Lys1459Ile (NM_001040113.2, NM_001040114.2); c.4355A>T, p.Lys1452Ile (NM_022844.3); c.948-20T>A (NM_001143979.2, NM_017668.3); short protein forms K1452I, K1459I.
Identifiers: ClinVar variation 4281860 (VCV004281860.1).

ClinVar aggregate classification (germline): Uncertain significance (1 of 4 stars; one submission).

Submission:

GeneDx
Classification: Uncertain significance. Last evaluated: 2025-04-10. Review status: criteria provided, single submitter. Criteria: GeneDx Variant Classification Process June 2021. Collection method: clinical testing. Allele origin: germline. Affected: yes.
Comment: Not observed at significant frequency in large population cohorts (gnomAD); In silico analysis supports that this missense variant has a deleterious effect on protein structure/function; Has not been previously published as pathogenic or benign to our knowledge; This variant is associated with the following publications: (PMID: 21529752)